The following is an entry in ClinVar:

ClinVar aggregate classification (germline): Uncertain significance (1 of 4 stars; one submission).

Conditions:
Dilated cardiomyopathy 1G (CMD1G). Identifiers: Orphanet 154, MedGen C1858763, MONDO:0011400, OMIM 604145.
Autosomal recessive limb-girdle muscular dystrophy type 2J (LGMDR10). Also called: Limb-girdle muscular dystrophy, type 2J; MUSCULAR DYSTROPHY, LIMB-GIRDLE, AUTOSOMAL RECESSIVE 10. Identifiers: Orphanet 140922, MedGen C1837342, MONDO:0012127, OMIM 608807.

Allele frequency attached by ClinVar (database versions not stated): TOPMed below 0.00001; gnomAD 0.00001.
gnomAD v4.1: 4 of 1,613,854 alleles (0.00025%); highest among the groups gnomAD compares: Non-Finnish European, 0.00025%; no homozygotes.

Submission:

Labcorp Genetics (formerly Invitae), Labcorp
Classification: Uncertain significance for Dilated cardiomyopathy 1G; Autosomal recessive limb-girdle muscular dystrophy type 2J. Last evaluated: 2024-12-17. Review status: criteria provided, single submitter. Criteria: Invitae Variant Classification Sherloc (09022015). Collection method: clinical testing. Allele origin: germline.
Comment: This sequence change replaces leucine, which is neutral and non-polar, with isoleucine, which is neutral and non-polar, at codon 34705 of the TTN protein (p.Leu34705Ile). This variant is not present in population databases (gnomAD no frequency). This variant has not been reported in the literature in individuals affected with TTN-related conditions. ClinVar contains an entry for this variant (Variation ID: 2923340). Experimental studies and prediction algorithms are not available or were not evaluated, and the functional significance of this variant is currently unknown. This variant is located in the M band of TTN (PMID: 25589632). Non-truncating variants in this region may be relevant for neuromuscular disorders, but have not been definitively shown to cause cardiomyopathy (PMID: 23975875). In summary, the available evidence is currently insufficient to determine the role of this variant in disease. Therefore, it has been classified as a Variant of Uncertain Significance.

Literature cited by the submitters: PubMed 25589632; PubMed 23975875.

NM_001267550.2(TTN):c.104113C>A (p.Leu34705Ile)

Genes: TTN-AS1 (TTN antisense RNA 1; plus strand), TTN (titin; minus strand). Cytogenetic location: 2q31.2.
Variant type: single nucleotide variant.
Coding change: c.104113C>A on transcript NM_001267550.2 (MANE Select); coding-DNA position 104113, C replaced by A.
Protein change: p.Leu34705Ile; replaces leucine 34705 with isoleucine.
Molecular consequence: missense variant.
Genome position (GRCh38, 1-based): chr2:178,532,502, G>T on the plus strand (C>A on the coding strand, the complement: TTN is on the minus strand). VCF-style: chr2-178532502-G-T. GRCh37 (hg19) VCF-style: chr2-179397229-G-T.
Other names: c.99190C>A, p.Leu33064Ile (NM_001256850.1); c.76918C>A, p.Leu25640Ile (NM_003319.4); c.96409C>A, p.Leu32137Ile (NM_133378.4); c.77293C>A, p.Leu25765Ile (NM_133432.3); c.77494C>A, p.Leu25832Ile (NM_133437.4); short protein forms L32137I, L34705I, L33064I, L25832I, L25640I, L25765I.
Identifiers: ClinVar variation 2923340 (VCV002923340.3), dbSNP rs1438800303, ClinGen allele CA349412473.
Genomic context (GRCh38, chr2:178,532,502, plus strand): 5'-CTTTTCTTGTTTCCTCCACCTTGACATGAGCTTGTGGTGAAGAGTAACGTAGGCTAGAAA[G>T]CTCAAAGTGTGGAGGGCTTCGACTTGGGGGTGAAGCTGAAAAACCTAACTCAAGCTCTTC-3'
Protein context (NP_001254479.2, residues 34695-34715): PPSRSPPHFE[Leu34705Ile]SSLRYSSPQA